The following is an entry in ClinVar:

ClinVar aggregate classification (germline): Likely benign (1 of 4 stars; one submission).

gnomAD v4.1: 26 of 1,603,304 alleles (0.0016%); highest among the groups gnomAD compares: African/African-American, 0.011%; no homozygotes.

Submission:

CeGaT Center for Human Genetics Tuebingen
Classification: Likely benign. Last evaluated: 2026-09-01. Review status: criteria provided, single submitter. Criteria: CeGaT Center For Human Genetics Tuebingen Variant Classification Criteria Version 2. Collection method: clinical testing. Allele origin: germline. Affected: yes. Observed: 1 variant allele.
Comment: ZMYND8: BP4, BP7

NM_001281775.3(ZMYND8):c.1425G>A (p.Thr475=)

Gene: ZMYND8 (zinc finger MYND-type containing 8; minus strand). Cytogenetic location: 20q13.12.
Variant type: single nucleotide variant.
Coding change: c.1425G>A on transcript NM_001281775.3 (MANE Select); coding-DNA position 1425, G replaced by A.
Protein change: p.Thr475=; no amino-acid change (threonine 475 retained).
Molecular consequence: synonymous variant.
Genome position (GRCh38, 1-based): chr20:47,276,369, C>T on the plus strand (G>A on the coding strand, the complement: ZMYND8 is on the minus strand). VCF-style: chr20-47276369-C-T. GRCh37 (hg19) VCF-style: chr20-45905113-C-T.
Other names: c.1350G>A, p.Thr450= (NM_001281771.3, NM_001281777.3, NM_001281778.3 and 4 more transcripts); c.1365G>A, p.Thr455= (NM_001281772.3, NM_001281773.3, NM_001281774.3 and 1 more transcripts); c.1425G>A, p.Thr475= (NM_001281776.3, NM_001281783.3, NM_012408.6 and 1 more transcripts); c.621G>A, p.Thr207= (NM_001281779.3, NM_001281780.3); c.1446G>A, p.Thr482= (NM_001363714.1).
Identifiers: ClinVar variation 5040972 (VCV005040972.1).